The following is an entry in ClinVar:

ClinVar aggregate classification (germline): Uncertain significance (1 of 4 stars; one submission).

Conditions:
Combined oxidative phosphorylation defect type 27. Also called: Combined oxidative phosphorylation deficiency 27. Identifiers: Orphanet 477774, MedGen C5567608, MONDO:0014728, OMIM 616672.

Allele frequency attached by ClinVar (database versions not stated): gnomAD exomes below 0.00001.
gnomAD v4.1: 2 of 1,612,680 alleles (0.00012%); highest among the groups gnomAD compares: Non-Finnish European, 0.00017%; no homozygotes.

Submission:

Labcorp Genetics (formerly Invitae), Labcorp
Classification: Uncertain significance for Combined oxidative phosphorylation defect type 27. Last evaluated: 2024-07-02. Review status: criteria provided, single submitter. Criteria: Invitae Variant Classification Sherloc (09022015). Collection method: clinical testing. Allele origin: germline.
Comment: This sequence change replaces glutamic acid, which is acidic and polar, with glycine, which is neutral and non-polar, at codon 144 of the CARS2 protein (p.Glu144Gly). This variant is not present in population databases (gnomAD no frequency). This variant has not been reported in the literature in individuals affected with CARS2-related conditions. ClinVar contains an entry for this variant (Variation ID: 646194). Advanced modeling of protein sequence and biophysical properties (such as structural, functional, and spatial information, amino acid conservation, physicochemical variation, residue mobility, and thermodynamic stability) has been performed at Invitae for this missense variant, however the output from this modeling did not meet the statistical confidence thresholds required to predict the impact of this variant on CARS2 protein function. In summary, the available evidence is currently insufficient to determine the role of this variant in disease. Therefore, it has been classified as a Variant of Uncertain Significance.

NM_024537.4(CARS2):c.431A>G (p.Glu144Gly)

Gene: CARS2 (cysteinyl-tRNA synthetase 2, mitochondrial; minus strand). Cytogenetic location: 13q34.
Variant type: single nucleotide variant.
Coding change: c.431A>G on transcript NM_024537.4 (MANE Select); coding-DNA position 431, A replaced by G.
Protein change: p.Glu144Gly; replaces glutamic acid 144 with glycine.
Molecular consequence: missense variant. On other transcripts: 5 prime UTR variant (1), non-coding transcript variant (2).
Genome position (GRCh38, 1-based): chr13:110,687,981, T>C on the plus strand (A>G on the coding strand, the complement: CARS2 is on the minus strand). VCF-style: chr13-110687981-T-C. GRCh37 (hg19) VCF-style: chr13-111340328-T-C.
Other names: c.-569A>G (NM_001352252.2); c.431A>G, p.Glu144Gly (NM_001352253.3); short protein forms E144G.
Identifiers: ClinVar variation 646194 (VCV000646194.8), dbSNP rs150606981, ClinGen allele CA388738806.